The following is an entry in ClinVar:

ClinVar aggregate classification (germline): Uncertain significance (1 of 4 stars; one submission).

Conditions:
Baller-Gerold syndrome (BGS). Also called: CRANIOSYNOSTOSIS WITH RADIAL DEFECTS. Identifiers: Orphanet 1225, MedGen C0265308, MONDO:0009039, OMIM 218600.

gnomAD v4.1: 2 of 1,613,382 alleles (0.00012%); highest among the groups gnomAD compares: Non-Finnish European, 0.00017%; no homozygotes.

Submission:

Labcorp Genetics (formerly Invitae), Labcorp
Classification: Uncertain significance for Baller-Gerold syndrome. Last evaluated: 2021-05-17. Review status: criteria provided, single submitter. Criteria: Invitae Variant Classification Sherloc (09022015). Collection method: clinical testing. Allele origin: germline.
Comment: In summary, the available evidence is currently insufficient to determine the role of this variant in disease. Therefore, it has been classified as a Variant of Uncertain Significance. Experimental studies and prediction algorithms are not available or were not evaluated, and the functional significance of this variant is currently unknown. This variant has not been reported in the literature in individuals with RECQL4-related conditions. This variant is not present in population databases (ExAC no frequency). This sequence change replaces glutamine with proline at codon 309 of the RECQL4 protein (p.Gln309Pro). The glutamine residue is weakly conserved and there is a moderate physicochemical difference between glutamine and proline.

NM_004260.4(RECQL4):c.926A>C (p.Gln309Pro)

Gene: RECQL4 (RecQ like helicase 4; minus strand). Cytogenetic location: 8q24.3.
Variant type: single nucleotide variant.
Coding change: c.926A>C on transcript NM_004260.4 (MANE Select); coding-DNA position 926, A replaced by C.
Protein change: p.Gln309Pro; replaces glutamine 309 with proline.
Molecular consequence: missense variant.
Genome position (GRCh38, 1-based): chr8:144,516,193, T>G on the plus strand (A>C on the coding strand, the complement: RECQL4 is on the minus strand). VCF-style: chr8-144516193-T-G. GRCh37 (hg19) VCF-style: chr8-145741577-T-G.
Other names: short protein forms Q309P.
Identifiers: ClinVar variation 1487776 (VCV001487776.6), dbSNP rs2130719699, ClinGen allele CA372688647.